The following is an entry in ClinVar:

NM_001283009.2(RTEL1):c.858G>C (p.Gln286His)

Genes: RTEL1 (regulator of telomere elongation helicase 1; plus strand), RTEL1-TNFRSF6B (RTEL1-TNFRSF6B readthrough (NMD candidate); plus strand). Cytogenetic location: 20q13.33.
Variant type: single nucleotide variant.
Coding change: c.858G>C on transcript NM_001283009.2 (MANE Select); coding-DNA position 858, G replaced by C.
Protein change: p.Gln286His; replaces glutamine 286 with histidine.
Molecular consequence: missense variant. On other transcripts: non-coding transcript variant (1).
Genome position (GRCh38, 1-based): chr20:63,674,032, G>C. VCF-style: chr20-63674032-G-C. GRCh37 (hg19) VCF-style: chr20-62305385-G-C.
Other names: c.189G>C, p.Gln63His (NM_001283010.1); c.858G>C, p.Gln286His (NM_016434.4); c.930G>C, p.Gln310His (NM_032957.5); short protein forms Q63H, Q286H, Q310H.
Identifiers: ClinVar variation 4844074 (VCV004844074.1).

ClinVar aggregate classification (germline): Uncertain significance (1 of 4 stars; one submission).

Conditions:
Inborn genetic diseases. Identifiers: MedGen C0950123, MeSH D030342.

Submission:

Ambry Genetics
Classification: Uncertain significance for Inborn genetic diseases. Last evaluated: 2025-12-22. Review status: criteria provided, single submitter. Criteria: Ambry Variant Classification Scheme 2023. Collection method: clinical testing. Allele origin: germline.
Comment: The p.Q286H variant (also known as c.858G>C), located in coding exon 9 of the RTEL1 gene, results from a G to C substitution at nucleotide position 858. The glutamine at codon 286 is replaced by histidine, an amino acid with highly similar properties. This amino acid position is conserved. In addition, this alteration is predicted to be tolerated by in silico analysis. Based on the available evidence, the clinical significance of this variant remains unclear.